The following is an entry in ClinVar:

ClinVar aggregate classification (germline): Pathogenic. Review status: criteria provided, single submitter (1 of 4 stars). 2 submissions from 2 submitters: Pathogenic (1). 1 of the submissions does not count toward it. Last evaluated 2026-04-01.

Conditions:
Lymphoma. Identifiers: Orphanet 223735, MedGen C0024299, MeSH D008223, MONDO:0005062, HP:0002665.

Submissions (2):

CeGaT Center for Human Genetics Tuebingen
Classification: Pathogenic. Last evaluated: 2026-04-01. Review status: criteria provided, single submitter. Criteria: CeGaT Center For Human Genetics Tuebingen Variant Classification Criteria Version 2. Collection method: clinical testing. Allele origin: germline. Affected: yes. Observed: 1 variant allele.
Comment: KMT2D: PVS1, PM2

Xiao lab, Department of Pathology, Memorial Sloan Kettering Cancer Center
Classification: Likely pathogenic for Lymphoma. Last evaluated: 2019-07-25. Review status: no assertion criteria provided. Collection method: clinical testing. Allele origin: somatic. Affected: yes. Not counted in ClinVar's aggregate classification.

NM_003482.4(KMT2D):c.11897_11911del (p.Phe3966_Gln3971delinsTer)

Gene: KMT2D (lysine methyltransferase 2D; minus strand). Cytogenetic location: 12q13.12.
Variant type: Deletion.
Coding change: c.11897_11911del on transcript NM_003482.4 (MANE Select); coding-DNA positions 11897 to 11911, 15 bases deleted (TTCAACAGCAGCAGC).
Protein change: p.Phe3966_Gln3971delinsTer.
Molecular consequence: nonsense.
Genome position (GRCh38, 1-based): chr12:49,032,794-49,032,808, GCTGCTGCTGTTGAA deleted on the plus strand (TTCAACAGCAGCAGC on the coding strand, the reverse complement: KMT2D is on the minus strand). VCF-style (leftmost placement, unchanged base first): chr12-49032793-TGCTGCTGCTGTTGAA-T. GRCh37 (hg19) VCF-style: chr12-49426576-TGCTGCTGCTGTTGAA-T.
Other names: c.11897_11911delTTCAACAGCAGCAGC (NM_003482.3).
Identifiers: ClinVar variation 638280 (VCV000638280.3), dbSNP rs1592119138, ClinGen allele CA915948292.